The following is an entry in ClinVar:

ClinVar aggregate classification (germline): Likely pathogenic (0 of 4 stars; one submission).

Conditions:
WAS-related disorder. Also called: WAS-Related Disorders; WAS-related condition. Identifiers: MedGen CN381538.

Submission:

PreventionGenetics, part of Exact Sciences
Classification: Likely pathogenic for WAS-related condition. Last evaluated: 2024-01-11. Review status: no assertion criteria provided. Collection method: clinical testing. Allele origin: germline.
Comment: The WAS c.134C>G variant is predicted to result in the amino acid substitution p.Thr45Arg. To our knowledge, this variant has not been reported in the literature. However, different missense substitutions at this codon (e.g: p.Thr45Lys; p.Thr45Met) have been observed in individuals with Wiskott-Aldrich syndrome (Zhang et al. 2010. PubMed ID: 20546529; Kwan et al. 1995. PubMed ID: 7753869) suggesting that substitution of amino acid residue p.Thr45 is not tolerated. This variant has not been reported in a large population database, indicating this variant is rare. This variant is interpreted as likely pathogenic.

NM_000377.3(WAS):c.134C>G (p.Thr45Arg)

Gene: WAS (WASP actin nucleation promoting factor; plus strand). Cytogenetic location: Xp11.23.
Variant type: single nucleotide variant.
Coding change: c.134C>G on transcript NM_000377.3 (MANE Select); coding-DNA position 134, C replaced by G.
Protein change: p.Thr45Arg; replaces threonine 45 with arginine.
Molecular consequence: missense variant.
Genome position (GRCh38, 1-based): chrX:48,684,284, C>G. VCF-style: chrX-48684284-C-G. GRCh37 (hg19) VCF-style: chrX-48542673-C-G.
Other names: short protein forms T45R.
Identifiers: ClinVar variation 3045830 (VCV003045830.2), dbSNP rs132630273, ClinGen allele CA412866047.